The following is an entry in ClinVar:

NM_001387025.1(GRAMD1B):c.664-8C>T

Gene: GRAMD1B (GRAM domain containing 1B; plus strand). Cytogenetic location: 11q24.1.
Variant type: single nucleotide variant.
Coding change: c.664-8C>T on transcript NM_001387025.1 (MANE Select); 8 bases into the intron before coding-DNA position 664, C replaced by T.
Molecular consequence: intron variant.
Genome position (GRCh38, 1-based): chr11:123,584,304, C>T. VCF-style: chr11-123584304-C-T. GRCh37 (hg19) VCF-style: chr11-123455012-C-T.
Other names: c.532-8C>T (NM_001367421.2); c.316-8C>T (NM_001367420.2, NM_001367419.2, NM_001367418.2); c.664-8C>T (NM_001387024.1); c.661-8C>T (NM_001387026.1); c.115-8C>T (NM_001387034.1, NM_001387030.1, NM_001387032.1 and 5 more transcripts); c.256-8C>T (NM_001286563.3); c.235-8C>T (NM_001387028.1, NM_020716.4, NM_001387029.1).
Identifiers: ClinVar variation 3056394 (VCV003056394.2), dbSNP rs373483380, ClinGen allele CA6333374.
Genomic context (GRCh38, chr11:123,584,304, plus strand): 5'-TCCCCCTGGCCCTTCCCCCCATTTCTTCCCTGACTAATTCTACCTTCTCTTTCATTTTCT[C>T]TTTTCAGAAAAGCCAGAGTTGGTATAATGTAAGTATTCCTGTTTCCCTTCTTGTTGGGTA-3'

ClinVar aggregate classification (germline): Likely benign (0 of 4 stars; one submission).

Conditions:
GRAMD1B-related disorder. Also called: GRAMD1B-related condition.

Allele frequency attached by ClinVar (database versions not stated): gnomAD exomes 0.00001; ExAC 0.00007; ESP Exome Variant Server 0.00008; gnomAD 0.00009.
gnomAD v4.1: 14 of 1,053,002 alleles (0.0013%); highest among the groups gnomAD compares: Middle Eastern, 0.071%; no homozygotes.

Submission:

PreventionGenetics, part of Exact Sciences
Classification: Likely benign for GRAMD1B-related condition. Last evaluated: 2019-08-07. Review status: no assertion criteria provided. Collection method: clinical testing. Allele origin: germline.
Comment: This variant is classified as likely benign based on ACMG/AMP sequence variant interpretation guidelines (Richards et al. 2015 PMID: 25741868, with internal and published modifications).